The following is an entry in ClinVar:

ClinVar aggregate classification (germline): Uncertain significance. Review status: criteria provided, multiple submitters, no conflicts (2 of 4 stars). 2 submissions from 2 submitters: Uncertain significance (2). Last evaluated 2024-10-15.

Allele frequency attached by ClinVar (database versions not stated): TOPMed 0.00003; gnomAD 0.00004 and 0.00005; ExAC 0.00013; ESP Exome Variant Server 0.00015; 1000 Genomes Project 0.00040; 1000 Genomes Project 30x 0.00047.
gnomAD v4.1: 28 of 1,596,098 alleles (0.0018%); highest among the groups gnomAD compares: East Asian, 0.02%; no homozygotes.

Submissions (2):

Labcorp Genetics (formerly Invitae), Labcorp
Classification: Uncertain significance. Last evaluated: 2024-10-15. Review status: criteria provided, single submitter. Criteria: Invitae Variant Classification Sherloc (09022015). Collection method: clinical testing. Allele origin: germline.
Comment: This sequence change replaces valine, which is neutral and non-polar, with methionine, which is neutral and non-polar, at codon 142 of the PDE6B protein (p.Val142Met). The frequency data for this variant in the population databases is considered unreliable, as metrics indicate poor data quality at this position in the gnomAD database. This variant has not been reported in the literature in individuals affected with PDE6B-related conditions. ClinVar contains an entry for this variant (Variation ID: 1500654). Invitae Evidence Modeling of protein sequence and biophysical properties (such as structural, functional, and spatial information, amino acid conservation, physicochemical variation, residue mobility, and thermodynamic stability) has been performed for this missense variant. However, the output from this modeling did not meet the statistical confidence thresholds required to predict the impact of this variant on PDE6B protein function. In summary, the available evidence is currently insufficient to determine the role of this variant in disease. Therefore, it has been classified as a Variant of Uncertain Significance.

Blueprint Genetics
Classification: Uncertain significance. Last evaluated: 2024-05-23. Review status: criteria provided, single submitter. Criteria: ACMG Guidelines, 2015. Collection method: clinical testing. Allele origin: germline.

NM_000283.4(PDE6B):c.424G>A (p.Val142Met)

Gene: PDE6B (phosphodiesterase 6B; plus strand). Cytogenetic location: 4p16.3.
Variant type: single nucleotide variant.
Coding change: c.424G>A on transcript NM_000283.4 (MANE Select); coding-DNA position 424, G replaced by A.
Protein change: p.Val142Met; replaces valine 142 with methionine.
Molecular consequence: missense variant.
Genome position (GRCh38, 1-based): chr4:626,050, G>A. VCF-style: chr4-626050-G-A. GRCh37 (hg19) VCF-style: chr4-619839-G-A.
Other names: c.424G>A, p.Val142Met (NM_001145291.2); short protein forms V142M.
Identifiers: ClinVar variation 1500654 (VCV001500654.7), dbSNP rs370159647, ClinGen allele CA2793942.